The following is an entry in ClinVar:

ClinVar aggregate classification (germline): Conflicting classifications of pathogenicity. Review status: criteria provided, conflicting classifications (1 of 4 stars). 5 submissions from 5 submitters: Likely pathogenic (1); Uncertain significance (3); Likely benign (1). Last evaluated 2026-05-04.

Conditions:
DTNA-related disorder. Also called: DTNA-related condition.
Meniere disease. Also called: Ménière's disease. Identifiers: MedGen C0025281, MONDO:0007972, OMIM 156000.
Left ventricular noncompaction 1 (LVNC1). Also called: LEFT VENTRICULAR NONCOMPACTION 1 WITH OR WITHOUT CONGENITAL HEART DEFECTS. Identifiers: Orphanet 54260, MedGen C1858725, MONDO:0011403, OMIM 604169.

Allele frequency attached by ClinVar (database versions not stated): gnomAD 0.00001; ExAC 0.00002; gnomAD exomes 0.00003 and 0.00004; TOPMed 0.00005; 1000 Genomes Project 30x 0.00016; 1000 Genomes Project 0.00020.
gnomAD v4.1: 20 of 1,614,050 alleles (0.0012%); highest among the groups gnomAD compares: Admixed American, 0.02%; 1 homozygote.

Submissions (5):

PreventionGenetics, part of Exact Sciences
Classification: Uncertain significance for DTNA-related condition. Last evaluated: 2026-05-04. Review status: criteria provided, single submitter. Criteria: ACMG Guidelines, 2015. Collection method: clinical testing. Allele origin: germline.
Comment: The DTNA c.2143G>T variant is predicted to result in the amino acid substitution p.Val715Phe. This variant along with a variant in a different gene was reported to segregate with autosomal dominant Meniere's disease in a single family. Experimental studies suggested this variant strengthens a cryptic splice acceptor site in exon 20 and results in skipping of exon 21 containing the last five amino acids and canonical stop codon (Requena et al. 2015. PubMed ID: 25305078). This variant is reported in 0.020% of alleles in individuals of Latino descent in gnomAD, including one homozygote. At this time, the clinical significance of this variant is uncertain due to the absence of conclusive functional and genetic evidence.

Labcorp Genetics (formerly Invitae), Labcorp
Classification: Uncertain significance for Left ventricular noncompaction 1. Last evaluated: 2025-05-19. Review status: criteria provided, single submitter. Criteria: Invitae Variant Classification Sherloc (09022015). Collection method: clinical testing. Allele origin: germline.
Comment: This sequence change replaces valine, which is neutral and non-polar, with phenylalanine, which is neutral and non-polar, at codon 715 of the DTNA protein (p.Val715Phe). This variant is present in population databases (rs533568822, gnomAD 0.01%), including at least one homozygous and/or hemizygous individual. This variant has not been reported in the literature in individuals affected with DTNA-related conditions. ClinVar contains an entry for this variant (Variation ID: 140609). An algorithm developed to predict the effect of missense changes on protein structure and function (PolyPhen-2) suggests that this variant is likely to be disruptive. In summary, the available evidence is currently insufficient to determine the role of this variant in disease. Therefore, it has been classified as a Variant of Uncertain Significance.

GeneDx
Classification: Likely benign. Last evaluated: 2020-06-17. Review status: criteria provided, single submitter. Criteria: GeneDx Variant Classification Process June 2021. Collection method: clinical testing. Allele origin: germline. Affected: yes.
Comment: This variant is associated with the following publications: (PMID: 25305078, 31589614)

Mayo Clinic Laboratories, Mayo Clinic
Classification: Uncertain significance. Last evaluated: 2020-03-19. Review status: criteria provided, single submitter. Criteria: ACMG Guidelines, 2015. Collection method: clinical testing. Allele origin: germline. Observed: 1 variant allele.

Otology & Neurotology- Genomics of vestibular disorders (CTS-495), Jose Antonio López Escámez, Centro Pfizer - Universidad de Granada - Junta de Andalucía de Genómica e Investigación Oncológica (GENYO)
Classification: Likely pathogenic for MENIERE DISEASE. Last evaluated: 2014-05-09. Review status: criteria provided, single submitter. Criteria: CTS 495 Otology and Neurotology GENYO criteria (2014). Collection method: research. Allele origin: germline. Affected: yes. Observed: 3 variant alleles, 3 heterozygotes.

Literature cited by the submitters: PubMed 25305078 (cited by Otology & Neurotology- Genomics of vestibular disorders (CTS-495), Jose Antonio López Escámez, Centro Pfizer - Universidad de Granada - Junta de Andalucía de Genómica e Investigación Oncológica (GENYO)).

NM_001386795.1(DTNA):c.2224G>T (p.Val742Phe)

Gene: DTNA (dystrobrevin alpha; plus strand). Cytogenetic location: 18q12.1.
Variant type: single nucleotide variant.
Coding change: c.2224G>T on transcript NM_001386795.1 (MANE Select); coding-DNA position 2224, G replaced by T.
Protein change: p.Val742Phe; replaces valine 742 with phenylalanine.
Molecular consequence: missense variant.
Genome position (GRCh38, 1-based): chr18:34,882,130, G>T. VCF-style: chr18-34882130-G-T. GRCh37 (hg19) VCF-style: chr18-32462094-G-T.
Other names: c.1963G>T, p.Val655Phe (NM_001198938.2, NM_001198940.2, NM_001386753.1 and 5 more transcripts); c.1984G>T, p.Val662Phe (NM_001198939.2); c.1270G>T, p.Val424Phe (NM_001198942.1); c.1213G>T, p.Val405Phe (NM_001198943.1); c.1099G>T, p.Val367Phe (NM_001198944.1); c.2053G>T, p.Val685Phe (NM_001386754.1, NM_001386755.1, NM_001386756.1 and 3 more transcripts); c.2050G>T, p.Val684Phe (NM_001386760.1); c.1972G>T, p.Val658Phe (NM_001386761.1, NM_032975.4); and 5 more; short protein forms V655F, V658F, V715F, V662F, V363F, V367F, V424F, V405F.
Identifiers: ClinVar variation 140609 (VCV000140609.16), dbSNP rs533568822, ClinGen allele CA174978.